The following is an entry in ClinVar:

NM_203486.3(DLL3):c.352-18C>G

Gene: DLL3 (delta like canonical Notch ligand 3; plus strand). Cytogenetic location: 19q13.2.
Variant type: single nucleotide variant.
Coding change: c.352-18C>G on transcript NM_203486.3 (MANE Select); 18 bases into the intron before coding-DNA position 352, C replaced by G.
Molecular consequence: intron variant.
Genome position (GRCh38, 1-based): chr19:39,500,597, C>G. VCF-style: chr19-39500597-C-G. GRCh37 (hg19) VCF-style: chr19-39991237-C-G.
Other names: c.352-18C>G (NM_016941.4).
Identifiers: ClinVar variation 260778 (VCV000260778.13), dbSNP rs2304223, ClinGen allele CA9432171.
Genomic context (GRCh38, chr19:39,500,597, plus strand): 5'-TGAACTCTGGCCTTCATTGAGTACTTACCCTAACCACTGTCTTTCATCTTTCATCTCCCC[C>G]TTCCTTCACCCAACCAGGGCACCTTCTCTTTCATCATCGAAACCTGGAGAGAGGAGTTAG-3'

ClinVar aggregate classification (germline): Benign. Review status: criteria provided, multiple submitters, no conflicts (2 of 4 stars). 6 submissions from 6 submitters: Benign (6). Last evaluated 2026-02-04.

Conditions:
Spondylocostal dysostosis 1, autosomal recessive (SCDO1). Also called: DLL3-Related Spondylocostal Dysostosis, Autosomal Recessive. Identifiers: Orphanet 2311, MedGen CN032975, MONDO:0020692, OMIM 277300.

Allele frequency attached by ClinVar (database versions not stated): 1000 Genomes Project 30x 0.24126; 1000 Genomes Project 0.24381; TOPMed 0.26747; ESP Exome Variant Server 0.28279; gnomAD 0.29309; ExAC 0.30449; gnomAD exomes 0.30653.

Submissions (6):

Labcorp Genetics (formerly Invitae), Labcorp
Classification: Benign. Last evaluated: 2026-02-04. Review status: criteria provided, single submitter. Criteria: Invitae Variant Classification Sherloc (09022015). Collection method: clinical testing. Allele origin: germline.

Blueprint Genetics
Classification: Benign. Last evaluated: 2024-11-28. Review status: criteria provided, single submitter. Criteria: ACMG Guidelines, 2015. Collection method: clinical testing. Allele origin: germline.

Genome-Nilou Lab
Classification: Benign for Spondylocostal dysostosis 1, autosomal recessive. Last evaluated: 2021-07-30. Review status: criteria provided, single submitter. Criteria: ACMG Guidelines, 2015. Collection method: clinical testing. Allele origin: germline. Affected: no.

GeneDx
Classification: Benign. Last evaluated: 2016-03-21. Review status: criteria provided, single submitter. Criteria: GeneDx Variant Classification (06012015). Collection method: clinical testing. Allele origin: germline. Affected: yes.
Comment: This variant is considered likely benign or benign based on one or more of the following criteria: it is a conservative change, it occurs at a poorly conserved position in the protein, it is predicted to be benign by multiple in silico algorithms, and/or has population frequency not consistent with disease.

Breakthrough Genomics
Classification: Benign. Review status: criteria provided, single submitter. Criteria: ACMG Guidelines, 2015. Collection method: not provided. Allele origin: germline. Inheritance: Autosomal recessive inheritance. Affected: yes.

PreventionGenetics, part of Exact Sciences
Classification: Benign. Review status: criteria provided, single submitter. Criteria: ACMG Guidelines, 2015. Collection method: clinical testing. Allele origin: germline.